The following is an entry in ClinVar:

NM_001376.5(DYNC1H1):c.7400G>A (p.Arg2467His)

Gene: DYNC1H1 (dynein cytoplasmic 1 heavy chain 1; plus strand). Cytogenetic location: 14q32.31.
Variant type: single nucleotide variant.
Coding change: c.7400G>A on transcript NM_001376.5 (MANE Select); coding-DNA position 7400, G replaced by A.
Protein change: p.Arg2467His; replaces arginine 2467 with histidine.
Molecular consequence: missense variant.
Genome position (GRCh38, 1-based): chr14:102,016,013, G>A. VCF-style: chr14-102016013-G-A. GRCh37 (hg19) VCF-style: chr14-102482350-G-A.
Other names: short protein forms R2467H.
Identifiers: ClinVar variation 569163 (VCV000569163.10), dbSNP rs1441059709, ClinGen allele CA391002043.

ClinVar aggregate classification (germline): Uncertain significance. Review status: criteria provided, multiple submitters, no conflicts (2 of 4 stars). 2 submissions from 2 submitters: Uncertain significance (2). Last evaluated 2022-06-08.

Conditions:
Charcot-Marie-Tooth disease axonal type 2O. Also called: Charcot-Marie-Tooth disease, axonal, type 20; CHARCOT-MARIE-TOOTH NEUROPATHY, AXONAL, TYPE 2O; CHARCOT-MARIE-TOOTH DISEASE, AXONAL, AUTOSOMAL DOMINANT, TYPE 2O; Charcot-Marie-Tooth Neuropathy Type 2O. Identifiers: Orphanet 284232, MedGen C3280220, MONDO:0013644, OMIM 614228.

gnomAD v4.1: 1 of 1,613,640 alleles (0.000062%); highest among the groups gnomAD compares: Non-Finnish European, 0.000085%; no homozygotes.

Submissions (2):

GeneDx
Classification: Uncertain significance. Last evaluated: 2022-06-08. Review status: criteria provided, single submitter. Criteria: GeneDx Variant Classification Process June 2021. Collection method: clinical testing. Allele origin: germline. Affected: yes.
Comment: Not observed at significant frequency in large population cohorts (gnomAD); In silico analysis supports that this missense variant has a deleterious effect on protein structure/function; Has not been previously published as pathogenic or benign to our knowledge; This variant is associated with the following publications: (PMID: 26100331, 25609763, 25512093)

Labcorp Genetics (formerly Invitae), Labcorp
Classification: Uncertain significance for Charcot-Marie-Tooth disease axonal type 2O. Last evaluated: 2018-08-07. Review status: criteria provided, single submitter. Criteria: Invitae Variant Classification Sherloc (09022015). Collection method: clinical testing. Allele origin: germline.
Comment: This sequence change replaces arginine with histidine at codon 2467 of the DYNC1H1 protein (p.Arg2467His). The arginine residue is highly conserved and there is a small physicochemical difference between arginine and histidine. This variant is not present in population databases (ExAC no frequency). This variant has not been reported in the literature in individuals with a DYNC1H1-related disease. Algorithms developed to predict the effect of missense changes on protein structure and function do not agree on the potential impact of this missense change (SIFT: "Deleterious"; PolyPhen-2: "Possibly Damaging"; Align-GVGD: "Class C0"). In summary, this variant has uncertain impact on DYNC1H1 function. The available evidence is currently insufficient to determine its role in disease. Therefore, it has been classified as a Variant of Uncertain Significance.